The following is an entry in ClinVar:

NM_001942.4(DSG1):c.1173A>G (p.Thr391=)

Gene: DSG1 (desmoglein 1; plus strand). Cytogenetic location: 18q12.1.
Variant type: single nucleotide variant.
Coding change: c.1173A>G on transcript NM_001942.4 (MANE Select); coding-DNA position 1173, A replaced by G.
Protein change: p.Thr391=; no amino-acid change (threonine 391 retained).
Molecular consequence: synonymous variant.
Genome position (GRCh38, 1-based): chr18:31,336,521, A>G. VCF-style: chr18-31336521-A-G. GRCh37 (hg19) VCF-style: chr18-28916484-A-G.
Identifiers: ClinVar variation 713215 (VCV000713215.9), dbSNP rs200888485, ClinGen allele CA8926029.

ClinVar aggregate classification (germline): Likely benign. Review status: criteria provided, single submitter (1 of 4 stars). 2 submissions from 2 submitters: Likely benign (1). 1 of the submissions does not count toward it. Last evaluated 2026-01-27.

Conditions:
DSG1-related disorder. Also called: DSG1-related condition.

Allele frequency attached by ClinVar (database versions not stated): ExAC 0.00024; ESP Exome Variant Server 0.00008; TOPMed 0.00015; gnomAD 0.00018 and 0.00019; gnomAD exomes 0.00018.
gnomAD v4.1: 454 of 1,613,938 alleles (0.028%); highest among the groups gnomAD compares: Non-Finnish European, 0.037%; no homozygotes.

Submissions (2):

Labcorp Genetics (formerly Invitae), Labcorp
Classification: Likely benign. Last evaluated: 2026-01-27. Review status: criteria provided, single submitter. Criteria: Invitae Variant Classification Sherloc (09022015). Collection method: clinical testing. Allele origin: germline.

PreventionGenetics, part of Exact Sciences
Classification: Likely benign for DSG1-related condition. Last evaluated: 2024-08-30. Review status: no assertion criteria provided. Collection method: clinical testing. Allele origin: germline. Not counted in ClinVar's aggregate classification.
Comment: This variant is classified as likely benign based on ACMG/AMP sequence variant interpretation guidelines (Richards et al. 2015 PMID: 25741868, with internal and published modifications).